The following is an entry in ClinVar:

NM_001197104.2(KMT2A):c.3942G>A (p.Pro1314=)

Gene: KMT2A (lysine methyltransferase 2A; plus strand). Cytogenetic location: 11q23.3.
Variant type: single nucleotide variant.
Coding change: c.3942G>A on transcript NM_001197104.2 (MANE Select); coding-DNA position 3942, G replaced by A.
Protein change: p.Pro1314=; no amino-acid change (proline 1314 retained).
Molecular consequence: synonymous variant.
Genome position (GRCh38, 1-based): chr11:118,482,022, G>A. VCF-style: chr11-118482022-G-A. GRCh37 (hg19) VCF-style: chr11-118352737-G-A.
Other names: c.3942G>A, p.Pro1314= (NM_005933.4).
Identifiers: ClinVar variation 1670032 (VCV001670032.31), dbSNP rs1555039447, ClinGen allele CA477359119.
Genomic context (GRCh38, chr11:118,482,022, plus strand): 5'-AAGCAAGCAGGTCTCCCAGCCAGCACTGGTCATCCCGCCTCAGCCACCTACTACAGGACC[G>A]CCAAGAAAAGAAGTTCCCAAAACCACTCCTAGTGAGCCCAAGAAAAAGCAGCCTCCACCA-3'
Protein context (NP_001184033.1, residues 1304-1324): VIPPQPPTTG[Pro1314=]PRKEVPKTTP

ClinVar aggregate classification (germline): Likely benign. Review status: criteria provided, multiple submitters, no conflicts (2 of 4 stars). 2 submissions from 2 submitters: Likely benign (2). Last evaluated 2025-10-16.

Allele frequency attached by ClinVar (database versions not stated): gnomAD exomes below 0.00001; TOPMed 0.00001.

Submissions (2):

Labcorp Genetics (formerly Invitae), Labcorp
Classification: Likely benign. Last evaluated: 2025-10-16. Review status: criteria provided, single submitter. Criteria: Invitae Variant Classification Sherloc (09022015). Collection method: clinical testing. Allele origin: germline.

CeGaT Center for Human Genetics Tuebingen
Classification: Likely benign. Last evaluated: 2022-09-01. Review status: criteria provided, single submitter. Criteria: CeGaT Center For Human Genetics Tuebingen Variant Classification Criteria Version 2. Collection method: clinical testing. Allele origin: germline. Affected: yes. Observed: 1 variant allele.
Comment: ENSG00000285827: BP4, BP7; KMT2A: BP4, BP7